The following is an entry in ClinVar:

NM_001267550.2(TTN):c.1851A>C (p.Thr617=)

Gene: TTN (titin; minus strand). Cytogenetic location: 2q31.2.
Variant type: single nucleotide variant.
Coding change: c.1851A>C on transcript NM_001267550.2 (MANE Select); coding-DNA position 1851, A replaced by C.
Protein change: p.Thr617=; no amino-acid change (threonine 617 retained).
Molecular consequence: synonymous variant.
Genome position (GRCh38, 1-based): chr2:178,790,065, T>G on the plus strand (A>C on the coding strand, the complement: TTN is on the minus strand). VCF-style: chr2-178790065-T-G. GRCh37 (hg19) VCF-style: chr2-179654792-T-G.
Other names: c.1851A>C, p.Thr617= (NM_133378.4, NM_001256850.1, NM_133379.5); c.1713A>C, p.Thr571= (NM_003319.4, NM_133432.3, NM_133437.4).
Identifiers: ClinVar variation 178907 (VCV000178907.16), dbSNP rs727504530, ClinGen allele CA183281.

ClinVar aggregate classification (germline): Likely benign. Review status: criteria provided, multiple submitters, no conflicts (2 of 4 stars). 5 submissions from 5 submitters: Likely benign (3). 2 of the submissions do not count toward it. Last evaluated 2025-12-29.

Conditions:
Dilated cardiomyopathy 1G (CMD1G). Identifiers: Orphanet 154, MedGen C1858763, MONDO:0011400, OMIM 604145.
Autosomal recessive limb-girdle muscular dystrophy type 2J (LGMDR10). Also called: Limb-girdle muscular dystrophy, type 2J; MUSCULAR DYSTROPHY, LIMB-GIRDLE, AUTOSOMAL RECESSIVE 10. Identifiers: Orphanet 140922, MedGen C1837342, MONDO:0012127, OMIM 608807.
Cardiovascular phenotype. Identifiers: MedGen CN230736.

Allele frequency attached by ClinVar (database versions not stated): gnomAD exomes 0.00001 and 0.00002; ExAC 0.00002; TOPMed 0.00003.
gnomAD v4.1: 21 of 1,613,234 alleles (0.0013%); highest among the groups gnomAD compares: Non-Finnish European, 0.0011%; no homozygotes.

Submissions (5):

Labcorp Genetics (formerly Invitae), Labcorp
Classification: Likely benign for Dilated cardiomyopathy 1G; Autosomal recessive limb-girdle muscular dystrophy type 2J. Last evaluated: 2025-12-29. Review status: criteria provided, single submitter. Criteria: Invitae Variant Classification Sherloc (09022015). Collection method: clinical testing. Allele origin: germline.

Ambry Genetics
Classification: Likely benign for Cardiovascular phenotype. Last evaluated: 2023-01-16. Review status: criteria provided, single submitter. Criteria: Ambry Variant Classification Scheme 2023. Collection method: clinical testing. Allele origin: germline.

Laboratory for Molecular Medicine, Mass General Brigham Personalized Medicine
Classification: Likely benign. Last evaluated: 2013-04-21. Review status: criteria provided, single submitter. Criteria: LMM Criteria. Collection method: clinical testing. Allele origin: germline. Observed: 1 variant allele.
Comment: Thr617Thr in exon 12 of TTN: This variant is not expected to have clinical signi ficance because it does not alter an amino acid residue and is not located withi n this splice consensus sequence. Thr617Thr in exon 12 of TTN (allele frequency = n/a)

Clinical Genetics, Academic Medical Center
Classification: Benign. Review status: no assertion criteria provided. Collection method: clinical testing. Allele origin: germline. Affected: yes. Study: VKGL Data-share Consensus. Not counted in ClinVar's aggregate classification.

Genome Diagnostics Laboratory, University Medical Center Utrecht
Classification: Likely benign. Review status: no assertion criteria provided. Collection method: clinical testing. Allele origin: germline. Affected: yes. Study: VKGL Data-share Consensus. Not counted in ClinVar's aggregate classification.